The following is an entry in ClinVar:

NM_032620.4(GTPBP3):c.1432G>A (p.Glu478Lys)

Gene: GTPBP3 (GTP binding protein 3, mitochondrial; plus strand). Cytogenetic location: 19p13.11.
Variant type: single nucleotide variant.
Coding change: c.1432G>A on transcript NM_032620.4 (MANE Select); coding-DNA position 1432, G replaced by A.
Protein change: p.Glu478Lys; replaces glutamic acid 478 with lysine.
Molecular consequence: missense variant.
Genome position (GRCh38, 1-based): chr19:17,341,656, G>A. VCF-style: chr19-17341656-G-A. GRCh37 (hg19) VCF-style: chr19-17452465-G-A.
Other names: c.1369G>A, p.Glu457Lys (NM_001128855.3); c.1498G>A, p.Glu500Lys (NM_001195422.1); c.1528G>A, p.Glu510Lys (NM_133644.4); short protein forms E500K, E510K, E457K, E478K.
Identifiers: ClinVar variation 1358470 (VCV001358470.8), dbSNP rs538595233, ClinGen allele CA404739922.
Genomic context (GRCh38, chr19:17,341,656, plus strand): 5'-GCAGAGGCGCTGCGGGTGGCCCGGGGTCACCTGACCCGGCTCACAGGTGGAGGGGGTACC[G>A]AGGAGATCCTGGACATCATCTTCCAGGACTTCTGTGTGGGCAAGTGACGGGATCCAGGGA-3'
Protein context (NP_116009.2, residues 468-488): LTRLTGGGGT[Glu478Lys]EILDIIFQDF

ClinVar aggregate classification (germline): Uncertain significance (1 of 4 stars; one submission).

Submission:

Labcorp Genetics (formerly Invitae), Labcorp
Classification: Uncertain significance. Last evaluated: 2022-10-14. Review status: criteria provided, single submitter. Criteria: Invitae Variant Classification Sherloc (09022015). Collection method: clinical testing. Allele origin: germline.
Comment: This variant has not been reported in the literature in individuals affected with GTPBP3-related conditions. This sequence change replaces glutamic acid, which is acidic and polar, with lysine, which is basic and polar, at codon 510 of the GTPBP3 protein (p.Glu510Lys). This variant is present in population databases (no rsID available, gnomAD 0.01%). ClinVar contains an entry for this variant (Variation ID: 1358470). Advanced modeling of protein sequence and biophysical properties (such as structural, functional, and spatial information, amino acid conservation, physicochemical variation, residue mobility, and thermodynamic stability) performed at Invitae indicates that this missense variant is expected to disrupt GTPBP3 protein function. In summary, the available evidence is currently insufficient to determine the role of this variant in disease. Therefore, it has been classified as a Variant of Uncertain Significance.